The following is an entry in ClinVar:

NM_002907.4(RECQL):c.1506G>C (p.Gln502His)

Gene: RECQL (RecQ like helicase; minus strand). Cytogenetic location: 12p12.1.
Variant type: single nucleotide variant.
Coding change: c.1506G>C on transcript NM_002907.4 (MANE Select); coding-DNA position 1506, G replaced by C.
Protein change: p.Gln502His; replaces glutamine 502 with histidine.
Molecular consequence: missense variant.
Genome position (GRCh38, 1-based): chr12:21,471,589, C>G on the plus strand (G>C on the coding strand, the complement: RECQL is on the minus strand). VCF-style: chr12-21471589-C-G. GRCh37 (hg19) VCF-style: chr12-21624523-C-G.
Other names: c.1506G>C, p.Gln502His (NM_032941.3); short protein forms Q502H.
Identifiers: ClinVar variation 2446911 (VCV002446911.3), dbSNP rs757099313, ClinGen allele CA384116269.

ClinVar aggregate classification (germline): Uncertain significance (1 of 4 stars; one submission).

Submission:

Ambry Genetics
Classification: Uncertain significance. Last evaluated: 2025-04-16. Review status: criteria provided, single submitter. Criteria: Ambry Variant Classification Scheme 2023. Collection method: clinical testing. Allele origin: germline.
Comment: The p.Q502H variant (also known as c.1506G>C), located in coding exon 12 of the RECQL gene, results from a G to C substitution at nucleotide position 1506. The glutamine at codon 502 is replaced by histidine, an amino acid with highly similar properties. This amino acid position is conserved. In addition, this alteration is predicted to be tolerated by in silico analysis. Since supporting evidence is limited at this time, the clinical significance of this alteration remains unclear.